The following is an entry in ClinVar:

ClinVar aggregate classification (germline): Likely benign. Review status: criteria provided, multiple submitters, no conflicts (2 of 4 stars). 2 submissions from 2 submitters: Likely benign (2). Last evaluated 2025-02-01.

Conditions:
Developmental and epileptic encephalopathy, 9 (DEE9). Also called: JUBERG-HELLMAN SYNDROME; PCDH19-Related X-Linked Female-Limited Epilepsy with Mental Retardation; Early infantile epileptic encephalopathy 9; EPILEPSY, FEMALE-RESTRICTED, WITH MENTAL RETARDATION. Identifiers: Orphanet 101039, Orphanet 2076, MedGen C1848137, MONDO:0010246, OMIM 300088. Disease mechanism: loss of function.

Allele frequency attached by ClinVar (database versions not stated): gnomAD exomes below 0.00001 and 0.00001.

Submissions (2):

CeGaT Center for Human Genetics Tuebingen
Classification: Likely benign. Last evaluated: 2025-02-01. Review status: criteria provided, single submitter. Criteria: CeGaT Center For Human Genetics Tuebingen Variant Classification Criteria Version 2. Collection method: clinical testing. Allele origin: germline. Affected: yes. Observed: 2 variant alleles.
Comment: PCDH19: BP4, BP7

Labcorp Genetics (formerly Invitae), Labcorp
Classification: Likely benign for Developmental and epileptic encephalopathy, 9. Last evaluated: 2023-09-22. Review status: criteria provided, single submitter. Criteria: Invitae Variant Classification Sherloc (09022015). Collection method: clinical testing. Allele origin: germline.

NM_001184880.2(PCDH19):c.186C>T (p.Arg62=)

Gene: PCDH19 (protocadherin 19; minus strand). Cytogenetic location: Xq22.1.
Variant type: single nucleotide variant.
Coding change: c.186C>T on transcript NM_001184880.2 (MANE Select); coding-DNA position 186, C replaced by T.
Protein change: p.Arg62=; no amino-acid change (arginine 62 retained).
Molecular consequence: synonymous variant.
Genome position (GRCh38, 1-based): chrX:100,408,412, G>A on the plus strand (C>T on the coding strand, the complement: PCDH19 is on the minus strand). VCF-style: chrX-100408412-G-A. GRCh37 (hg19) VCF-style: chrX-99663410-G-A.
Other names: c.186C>T, p.Arg62= (NM_001105243.2, NM_020766.3).
Identifiers: ClinVar variation 780206 (VCV000780206.33), dbSNP rs1282368557, ClinGen allele CA517748719.